The following is an entry in ClinVar:

ClinVar aggregate classification (germline): Uncertain significance (1 of 4 stars; one submission).

Allele frequency attached by ClinVar (database versions not stated): gnomAD 0.00001; ExAC 0.00002.
gnomAD v4.1: 42 of 1,613,924 alleles (0.0026%); highest among the groups gnomAD compares: Middle Eastern, 0.016%; no homozygotes.

Submission:

Labcorp Genetics (formerly Invitae), Labcorp
Classification: Uncertain significance. Last evaluated: 2025-07-03. Review status: criteria provided, single submitter. Criteria: Invitae Variant Classification Sherloc (09022015). Collection method: clinical testing. Allele origin: germline.
Comment: This sequence change replaces alanine, which is neutral and non-polar, with threonine, which is neutral and polar, at codon 284 of the IRF4 protein (p.Ala284Thr). This variant is present in population databases (rs767774669, gnomAD 0.04%). This variant has not been reported in the literature in individuals affected with IRF4-related conditions. ClinVar contains an entry for this variant (Variation ID: 2417649). An algorithm developed to predict the effect of missense changes on protein structure and function (PolyPhen-2) suggests that this variant is likely to be tolerated. In summary, the available evidence is currently insufficient to determine the role of this variant in disease. Therefore, it has been classified as a Variant of Uncertain Significance.

NM_002460.4(IRF4):c.850G>A (p.Ala284Thr)

Gene: IRF4 (interferon regulatory factor 4; plus strand). Cytogenetic location: 6p25.3.
Variant type: single nucleotide variant.
Coding change: c.850G>A on transcript NM_002460.4 (MANE Select); coding-DNA position 850, G replaced by A.
Protein change: p.Ala284Thr; replaces alanine 284 with threonine.
Molecular consequence: missense variant. On other transcripts: non-coding transcript variant (1).
Genome position (GRCh38, 1-based): chr6:401,528, G>A. VCF-style: chr6-401528-G-A. GRCh37 (hg19) VCF-style: chr6-401528-G-A.
Other names: c.847G>A, p.Ala283Thr (NM_001195286.2); short protein forms A283T, A284T.
Identifiers: ClinVar variation 2417649 (VCV002417649.5), dbSNP rs767774669, ClinGen allele CA3612835.
Genomic context (GRCh38, chr6:401,528, plus strand): 5'-AAGGAGCTGACCACGTCCAGCCCCGAGGGCTGCCGGATCTCCCATGGACATACGTATGAC[G>A]CCAGCAACCTGGACCAGGTCCTGTTCCCCTACCCAGAGGACAATGGCCAGAGGAAAAACA-3'
Protein context (NP_002451.2, residues 274-294): CRISHGHTYD[Ala284Thr]SNLDQVLFPY